The following is an entry in ClinVar:

NM_001375524.1(TRRAP):c.1883_1891del (p.Glu628_Glu630del)

Gene: TRRAP (transformation/transcription domain associated protein; plus strand). Cytogenetic location: 7q22.1.
Variant type: Deletion.
Coding change: c.1883_1891del on transcript NM_001375524.1 (MANE Select); coding-DNA positions 1883 to 1891, 9 bases deleted (AGAAGGAGG; older notation c.1883_1891delAGAAGGAGG).
Protein change: p.Glu628_Glu630del.
Genome position (GRCh38, 1-based): chr7:98,911,147-98,911,155, AGAAGGAGG deleted; deleting any 9 consecutive bases within chr7:98,911,143-98,911,155 gives the same sequence; the c. name uses the placement nearest the transcript's 3' end. VCF-style (leftmost placement, unchanged base first): chr7-98911142-AGAGGAGAAG-A. GRCh37 (hg19) VCF-style: chr7-98508765-AGAGGAGAAG-A.
Other names: c.1883_1891delAGAAGGAGG (NM_003496.4); c.1883_1891del, p.Glu628_Glu630del (NM_001244580.2, NM_003496.4).
Identifiers: ClinVar variation 4536990 (VCV004536990.1).

ClinVar aggregate classification (germline): Uncertain significance (1 of 4 stars; one submission).

Submission:

Women's Health and Genetics/Laboratory Corporation of America, LabCorp
Classification: Uncertain significance. Last evaluated: 2025-11-06. Review status: criteria provided, single submitter. Criteria: LabCorp Variant Classification Summary - May 2015. Collection method: clinical testing. Allele origin: germline.
Comment: Variant summary: TRRAP c.1883_1891delAGAAGGAGG (p.Glu628_Glu630del) results in an in-frame deletion that is predicted to remove three amino acids from the encoded protein. The variant was absent in 251470 control chromosomes. The available data on variant occurrences in the general population are insufficient to allow any conclusion about variant significance. To our knowledge, no occurrence of c.1883_1891delAGAAGGAGG in individuals affected with TRRAP-related conditions and no experimental evidence demonstrating its impact on protein function have been reported. No submitters have cited clinical-significance assessments for this variant to ClinVar. Based on the evidence outlined above, the variant was classified as uncertain significance.